The following is an entry in ClinVar:

ClinVar aggregate classification (germline): Uncertain significance (1 of 4 stars; one submission).

Conditions:
TMEM165-congenital disorder of glycosylation. Also called: Congenital disorder of glycosylation type 2k; CDG IIk; TMEM165-CDG. Identifiers: Orphanet 314667, MedGen C3553571, MONDO:0013870, OMIM 614727.

Submission:

Labcorp Genetics (formerly Invitae), Labcorp
Classification: Uncertain significance for TMEM165-congenital disorder of glycosylation. Last evaluated: 2023-07-06. Review status: criteria provided, single submitter. Criteria: Invitae Variant Classification Sherloc (09022015). Collection method: clinical testing. Allele origin: germline.
Comment: This sequence change replaces glycine, which is neutral and non-polar, with valine, which is neutral and non-polar, at codon 62 of the TMEM165 protein (p.Gly62Val). This variant is not present in population databases (gnomAD no frequency). This variant has not been reported in the literature in individuals affected with TMEM165-related conditions. An algorithm developed to predict the effect of missense changes on protein structure and function (PolyPhen-2) suggests that this variant is likely to be tolerated. In summary, the available evidence is currently insufficient to determine the role of this variant in disease. Therefore, it has been classified as a Variant of Uncertain Significance.

NM_018475.5(TMEM165):c.185G>T (p.Gly62Val)

Genes: TMEM165 (transmembrane protein 165; plus strand), LOC129992613 (ATAC-STARR-seq lymphoblastoid silent region 15439; plus strand). Cytogenetic location: 4q12.
Variant type: single nucleotide variant.
Coding change: c.185G>T on transcript NM_018475.5 (MANE Select); coding-DNA position 185, G replaced by T.
Protein change: p.Gly62Val; replaces glycine 62 with valine.
Molecular consequence: missense variant. On other transcripts: non-coding transcript variant (1).
Genome position (GRCh38, 1-based): chr4:55,396,374, G>T. VCF-style: chr4-55396374-G-T. GRCh37 (hg19) VCF-style: chr4-56262541-G-T.
Other names: short protein forms G62V.
Identifiers: ClinVar variation 2736332 (VCV002736332.3), dbSNP rs1475649772, ClinGen allele CA356958963.